The following is an entry in ClinVar:

NM_002880.4(RAF1):c.1432G>A (p.Glu478Lys)

Gene: RAF1 (Raf-1 proto-oncogene, serine/threonine kinase; minus strand). Cytogenetic location: 3p25.2.
Variant type: single nucleotide variant.
Coding change: c.1432G>A on transcript NM_002880.4 (MANE Select); coding-DNA position 1432, G replaced by A.
Protein change: p.Glu478Lys; replaces glutamic acid 478 with lysine.
Molecular consequence: missense variant. On other transcripts: non-coding transcript variant (3).
Genome position (GRCh38, 1-based): chr3:12,585,785, C>T on the plus strand (G>A on the coding strand, the complement: RAF1 is on the minus strand). VCF-style: chr3-12585785-C-T. GRCh37 (hg19) VCF-style: chr3-12627284-C-T.
Other names: c.1492G>A, p.Glu498Lys (NM_001354689.3); c.1432G>A, p.Glu478Lys (NM_001354690.3); c.1189G>A, p.Glu397Lys (NM_001354691.3, NM_001354692.3); c.1333G>A, p.Glu445Lys (NM_001354693.3); c.1249G>A, p.Glu417Lys (NM_001354694.3); c.1090G>A, p.Glu364Lys (NM_001354695.3); short protein forms E364K, E397K, E417K, E445K, E478K, E498K.
Identifiers: ClinVar variation 981599 (VCV000981599.2), dbSNP rs2125326509, ClinGen allele CA351499259.
Genomic context (GRCh38, chr3:12,585,785, plus strand): 5'-CACTCCAGCGTGACTTTACTGTTGCCAAACCAAAATCTCCAATTTTCACTGTTAAGCCTT[C>T]ATGGAGAAATATATCTCAATGCTTGTTAAGGACTCTGGTTTCAAAAGAATGGTCAGGTTA-3'
Protein context (NP_002871.1, residues 468-488): DMKSNNIFLH[Glu478Lys]GLTVKIGDFG

ClinVar aggregate classification (germline): Uncertain significance. Review status: criteria provided, single submitter (1 of 4 stars). 2 submissions from 2 submitters: Uncertain significance (1). 1 of the submissions does not count toward it. Last evaluated 2025-03-25.

Conditions:
Noonan syndrome (NS). Also called: Noonan's syndrome. Identifiers: Orphanet 648, MedGen C0028326, MeSH D009634, MONDO:0018997. Disease mechanism: gain of function.
RASopathy. Also called: Noonan spectrum disorder; rasopathies. Identifiers: Orphanet 536391, MedGen C5555857, MONDO:0021060.

Submissions (2):

Labcorp Genetics (formerly Invitae), Labcorp
Classification: Uncertain significance for RASopathy. Last evaluated: 2025-03-25. Review status: criteria provided, single submitter. Criteria: Invitae Variant Classification Sherloc (09022015). Collection method: clinical testing. Allele origin: germline.
Comment: This sequence change replaces glutamic acid, which is acidic and polar, with lysine, which is basic and polar, at codon 478 of the RAF1 protein (p.Glu478Lys). This variant is not present in population databases (gnomAD no frequency). This missense change has been observed in individual(s) with hypertrophic cardiomyopathy (PMID: 22465605). ClinVar contains an entry for this variant (Variation ID: 981599). Invitae Evidence Modeling incorporating data from in vitro experimental studies (internal data) indicates that this missense variant is expected to disrupt RAF1 function with a positive predictive value of 95%. Experimental studies have shown that this missense change affects RAF1 function (PMID: 16266992, 23737487, 27273450). In summary, the available evidence is currently insufficient to determine the role of this variant in disease. Therefore, it has been classified as a Variant of Uncertain Significance.

Service de Génétique Moléculaire, Hôpital Robert Debré
Classification: Uncertain significance for Noonan syndrome. Review status: no assertion criteria provided. Collection method: clinical testing. Allele origin: paternal. Affected: yes. Not counted in ClinVar's aggregate classification.

Literature cited by the submitters: PubMed 22465605 (cited by Labcorp Genetics (formerly Invitae), Labcorp); PubMed 16266992 (cited by Labcorp Genetics (formerly Invitae), Labcorp); PubMed 23737487 (cited by Labcorp Genetics (formerly Invitae), Labcorp); PubMed 27273450 (cited by Labcorp Genetics (formerly Invitae), Labcorp).